The following is an entry in ClinVar:

ClinVar aggregate classification (germline): Uncertain significance (1 of 4 stars; one submission).

Allele frequency attached by ClinVar (database versions not stated): gnomAD exomes 0.00001; ExAC 0.00004; gnomAD 0.00013; TOPMed 0.00014.
gnomAD v4.1: 27 of 1,524,224 alleles (0.0018%); highest among the groups gnomAD compares: African/African-American, 0.034%; no homozygotes.

Submission:

Labcorp Genetics (formerly Invitae), Labcorp
Classification: Uncertain significance. Last evaluated: 2022-06-30. Review status: criteria provided, single submitter. Criteria: Invitae Variant Classification Sherloc (09022015). Collection method: clinical testing. Allele origin: germline.
Comment: This sequence change affects codon 305 of the TAPT1 mRNA. It is a 'silent' change, meaning that it does not change the encoded amino acid sequence of the TAPT1 protein. It affects a nucleotide within the consensus splice site. The frequency data for this variant in the population databases is considered unreliable, as metrics indicate poor data quality at this position in the gnomAD database. This variant has not been reported in the literature in individuals affected with TAPT1-related conditions. Algorithms developed to predict the effect of sequence changes on RNA splicing suggest that this variant is not likely to affect RNA splicing. In summary, the available evidence is currently insufficient to determine the role of this variant in disease. Therefore, it has been classified as a Variant of Uncertain Significance.

NM_153365.3(TAPT1):c.915C>T (p.Ser305=)

Gene: TAPT1 (transmembrane anterior posterior transformation 1; minus strand). Cytogenetic location: 4p15.32.
Variant type: single nucleotide variant.
Coding change: c.915C>T on transcript NM_153365.3 (MANE Select); coding-DNA position 915, C replaced by T.
Protein change: p.Ser305=; no amino-acid change (serine 305 retained).
Molecular consequence: synonymous variant.
Genome position (GRCh38, 1-based): chr4:16,186,536, G>A on the plus strand (C>T on the coding strand, the complement: TAPT1 is on the minus strand). VCF-style: chr4-16186536-G-A. GRCh37 (hg19) VCF-style: chr4-16188159-G-A.
Identifiers: ClinVar variation 2191026 (VCV002191026.1), dbSNP rs763092246, ClinGen allele CA2867416.